The following is an entry in ClinVar:

ClinVar aggregate classification (germline): Uncertain significance (1 of 4 stars; one submission).

Conditions:
Familial thoracic aortic aneurysm and aortic dissection (TAAD). Also called: Thoracic aortic aneurysms and dissections. Identifiers: Orphanet 91387, MedGen C4707243, MONDO:0019625.

gnomAD v4.1: 4 of 1,614,078 alleles (0.00025%); highest among the groups gnomAD compares: African/African-American, 0.0013%; no homozygotes.

Submission:

Labcorp Genetics (formerly Invitae), Labcorp
Classification: Uncertain significance for Familial thoracic aortic aneurysm and aortic dissection. Last evaluated: 2024-04-17. Review status: criteria provided, single submitter. Criteria: Invitae Variant Classification Sherloc (09022015). Collection method: clinical testing. Allele origin: germline.
Comment: This sequence change replaces threonine, which is neutral and polar, with alanine, which is neutral and non-polar, at codon 298 of the TGFBR1 protein (p.Thr298Ala). This variant is present in population databases (rs764452904, gnomAD 0.007%). This variant has not been reported in the literature in individuals affected with TGFBR1-related conditions. Advanced modeling of protein sequence and biophysical properties (such as structural, functional, and spatial information, amino acid conservation, physicochemical variation, residue mobility, and thermodynamic stability) performed at Invitae indicates that this missense variant is not expected to disrupt TGFBR1 protein function with a negative predictive value of 80%. In summary, the available evidence is currently insufficient to determine the role of this variant in disease. Therefore, it has been classified as a Variant of Uncertain Significance.

NM_004612.4(TGFBR1):c.892A>G (p.Thr298Ala)

Gene: TGFBR1 (transforming growth factor beta receptor 1; plus strand). Cytogenetic location: 9q22.33.
Variant type: single nucleotide variant.
Coding change: c.892A>G on transcript NM_004612.4 (MANE Select); coding-DNA position 892, A replaced by G.
Protein change: p.Thr298Ala; replaces threonine 298 with alanine.
Molecular consequence: missense variant. On other transcripts: non-coding transcript variant (4), intron variant (2).
Genome position (GRCh38, 1-based): chr9:99,142,622, A>G. VCF-style: chr9-99142622-A-G. GRCh37 (hg19) VCF-style: chr9-101904904-A-G.
Other names: c.661A>G, p.Thr221Ala (NM_001130916.3, NM_001407435.1); c.904A>G, p.Thr302Ala (NM_001306210.2); c.697A>G, p.Thr233Ala (NM_001407418.1, NM_001407419.1, NM_001407420.1 and 1 more transcripts); c.685A>G, p.Thr229Ala (NM_001407423.1, NM_001407424.1, NM_001407425.1 and 8 more transcripts); c.646A>G, p.Thr216Ala (NM_001407436.1); c.184A>G, p.Thr62Ala (NM_001407437.1); c.415A>G, p.Thr139Ala (NM_001407438.1); c.818-2110A>G (NM_001407416.1); and 1 more; short protein forms T221A, T233A, T302A, T139A, T216A, T229A, T298A, T62A.
Identifiers: ClinVar variation 3686410 (VCV003686410.2).
Genomic context (GRCh38, chr9:99,142,622, plus strand): 5'-TTGGTGTCAGATTATCATGAGCATGGATCCCTTTTTGATTACTTAAACAGATACACAGTT[A>G]CTGTGGAAGGAATGATAAAACTTGCTCTGTCCACGGCGAGCGGTCTTGCCCATCTTCACA-3'
Protein context (NP_004603.1, residues 288-308): LFDYLNRYTV[Thr298Ala]VEGMIKLALS